The following is an entry in ClinVar:

ClinVar aggregate classification (germline): Pathogenic (1 of 4 stars; one submission).

Submission:

Labcorp Genetics (formerly Invitae), Labcorp
Classification: Pathogenic. Last evaluated: 2025-03-06. Review status: criteria provided, single submitter. Criteria: Invitae Variant Classification Sherloc (09022015). Collection method: clinical testing. Allele origin: germline.
Comment: This sequence change creates a premature translational stop signal (p.Thr2963Asnfs*6) in the UNC80 gene. It is expected to result in an absent or disrupted protein product. Loss-of-function variants in UNC80 are known to be pathogenic (PMID: 26545877, 26708751, 26708753). This variant is present in population databases (no rsID available, gnomAD 0.002%). This variant has not been reported in the literature in individuals affected with UNC80-related conditions. For these reasons, this variant has been classified as Pathogenic.

Literature cited by the submitters: PubMed 26545877; PubMed 26708751; PubMed 26708753.

NM_001371986.1(UNC80):c.9085dup (p.Thr3029fs)

Gene: UNC80 (unc-80 subunit of NALCN channel complex; plus strand). Cytogenetic location: 2q34.
Variant type: Duplication.
Coding change: c.9085dup on transcript NM_001371986.1 (MANE Select); coding-DNA position 9085, one base duplicated (A; older notation c.9085dupA).
Protein change: p.Thr3029fs; shifts the reading frame from threonine 3029.
Molecular consequence: frameshift variant.
Genome position (GRCh38, 1-based): chr2:209,978,675, A duplicated. VCF-style (leftmost placement, unchanged base first): chr2-209978674-C-CA. GRCh37 (hg19) VCF-style: chr2-210843398-C-CA.
Other names: c.8887dup, p.Thr2963fs (NM_032504.2); c.8872dup, p.Thr2958fs (NM_182587.4); short protein forms T2958fs, T2963fs, T3029fs.
Identifiers: ClinVar variation 4710535 (VCV004710535.1).